The following is an entry in ClinVar:

ClinVar aggregate classification (germline): Likely benign (1 of 4 stars; one submission).

Allele frequency attached by ClinVar (database versions not stated): gnomAD 0.00001.
gnomAD v4.1: 1 of 1,614,112 alleles (0.000062%); highest among the groups gnomAD compares: South Asian, 0.0011%; no homozygotes.

Submission:

CeGaT Center for Human Genetics Tuebingen
Classification: Likely benign. Last evaluated: 2022-05-01. Review status: criteria provided, single submitter. Criteria: CeGaT Center For Human Genetics Tuebingen Variant Classification Criteria Version 2. Collection method: clinical testing. Allele origin: germline. Affected: yes. Observed: 1 variant allele.
Comment: PCDHGA12: BP4, BP7

NM_003735.3(PCDHGA12):c.1656G>A (p.Val552=)

Genes: PCDHG@ (protocadherin gamma cluster; plus strand), PCDHGA1 (protocadherin gamma subfamily A, 1; plus strand), PCDHGA10 (protocadherin gamma subfamily A, 10; plus strand), PCDHGA11 (protocadherin gamma subfamily A, 11; plus strand), PCDHGA12 (protocadherin gamma subfamily A, 12; plus strand) and 15 more. Cytogenetic location: 5q31.3.
Variant type: single nucleotide variant.
Coding change: c.1656G>A on transcript NM_003735.3 (MANE Select); coding-DNA position 1656, G replaced by A.
Protein change: p.Val552=; no amino-acid change (valine 552 retained).
Molecular consequence: synonymous variant. On other transcripts: intron variant (19).
Genome position (GRCh38, 1-based): chr5:141,432,415, G>A. VCF-style: chr5-141432415-G-A. GRCh37 (hg19) VCF-style: chr5-140811982-G-A.
Other names: c.1656G>A, p.Val552= (NM_032094.2); c.2422-62392G>A (NM_018912.3, NM_018923.3, NM_018918.3); c.2425-62392G>A (NM_018915.4, NM_018916.4); c.2410-62392G>A (NM_018922.3); c.2515-62392G>A (NM_018917.4); c.2415+59606G>A (NM_018924.5); c.2424+55908G>A (NM_018919.3); c.2424+47092G>A (NM_018920.4); and 9 more.
Identifiers: ClinVar variation 2655864 (VCV002655864.24), dbSNP rs2097498934, ClinGen allele CA447038972.